The following is an entry in ClinVar:

ClinVar aggregate classification (germline): Uncertain significance (1 of 4 stars; one submission).

Allele frequency attached by ClinVar (database versions not stated): TOPMed below 0.00001; gnomAD 0.00001.
gnomAD v4.1: 1 of 1,304,076 alleles (0.000077%); highest among the groups gnomAD compares: Non-Finnish European, 0.0001%; no homozygotes.

Submission:

Labcorp Genetics (formerly Invitae), Labcorp
Classification: Uncertain significance. Last evaluated: 2022-08-09. Review status: criteria provided, single submitter. Criteria: Invitae Variant Classification Sherloc (09022015). Collection method: clinical testing. Allele origin: germline.
Comment: In summary, the available evidence is currently insufficient to determine the role of this variant in disease. Therefore, it has been classified as a Variant of Uncertain Significance. Algorithms developed to predict the effect of missense changes on protein structure and function are either unavailable or do not agree on the potential impact of this missense change (SIFT: "Deleterious"; PolyPhen-2: "Not Available"; Align-GVGD: "Class C0"). This variant has not been reported in the literature in individuals affected with ERCC6L2-related conditions. This variant is not present in population databases (gnomAD no frequency). This sequence change replaces alanine, which is neutral and non-polar, with proline, which is neutral and non-polar, at codon 761 of the ERCC6L2 protein (p.Ala761Pro).

NM_020207.7(ERCC6L2):c.2248G>C (p.Ala750Pro)

Gene: ERCC6L2 (ERCC excision repair 6 like 2; plus strand). Cytogenetic location: 9q22.32.
Variant type: single nucleotide variant.
Coding change: c.2248G>C on transcript NM_020207.7 (MANE Select); coding-DNA position 2248, G replaced by C.
Protein change: p.Ala750Pro; replaces alanine 750 with proline.
Molecular consequence: missense variant. On other transcripts: non-coding transcript variant (1).
Genome position (GRCh38, 1-based): chr9:95,971,999, G>C. VCF-style: chr9-95971999-G-C. GRCh37 (hg19) VCF-style: chr9-98734281-G-C.
Other names: c.2248G>C, p.Ala750Pro (NM_001375291.1, NM_001375292.1, NM_001375293.1 and 1 more transcripts); short protein forms A750P.
Identifiers: ClinVar variation 1947048 (VCV001947048.4), dbSNP rs1832435157, ClinGen allele CA1127034588.
Genomic context (GRCh38, chr9:95,971,999, plus strand): 5'-CAGCCTGACTGTCAGGAATGCAGAGGTACAGAACAAGCTGCAGAGCCACTGGCAAAGGAA[G>C]CATGTGATCTCTGCAGTGACTTCAGTGATGAAGAGCCAGTGGGAGCCACAGGAATAAAGA-3'
Protein context (NP_064592.3, residues 740-760): EQAAEPLAKE[Ala750Pro]CDLCSDFSDE